The following is an entry in ClinVar:

NM_138773.4(SLC25A46):c.798C>A (p.Phe266Leu)

Gene: SLC25A46 (solute carrier family 25 member 46; plus strand). Cytogenetic location: 5q22.1.
Variant type: single nucleotide variant.
Coding change: c.798C>A on transcript NM_138773.4 (MANE Select); coding-DNA position 798, C replaced by A.
Protein change: p.Phe266Leu; replaces phenylalanine 266 with leucine.
Molecular consequence: missense variant. On other transcripts: non-coding transcript variant (1), intron variant (1).
Genome position (GRCh38, 1-based): chr5:110,761,323, C>A. VCF-style: chr5-110761323-C-A. GRCh37 (hg19) VCF-style: chr5-110097023-C-A.
Other names: c.525C>A, p.Phe175Leu (NM_001303250.3); c.679-124C>A (NM_001303249.3); short protein forms F175L, F266L.
Identifiers: ClinVar variation 1398842 (VCV001398842.8), dbSNP rs1800243883, ClinGen allele CA360696222.

ClinVar aggregate classification (germline): Uncertain significance (1 of 4 stars; one submission).

Conditions:
Neuropathy, hereditary motor and sensory, type 6B (HMSN6B). Also called: Neuropathy, hereditary motor and sensory, type VIB; NEUROPATHY, HEREDITARY MOTOR AND SENSORY, TYPE VIB, WITH OPTIC ATROPHY; HMSN VIB; CHARCOT-MARIE-TOOTH DISEASE, TYPE 6B. Identifiers: MedGen C4225302, MONDO:0014671, OMIM 616505.

Submission:

Labcorp Genetics (formerly Invitae), Labcorp
Classification: Uncertain significance for Neuropathy, hereditary motor and sensory, type 6B. Last evaluated: 2021-06-01. Review status: criteria provided, single submitter. Criteria: Invitae Variant Classification Sherloc (09022015). Collection method: clinical testing. Allele origin: germline.
Comment: This sequence change replaces phenylalanine with leucine at codon 266 of the SLC25A46 protein (p.Phe266Leu). The phenylalanine residue is moderately conserved and there is a small physicochemical difference between phenylalanine and leucine. This variant is not present in population databases (ExAC no frequency). This variant has not been reported in the literature in individuals with SLC25A46-related conditions. Algorithms developed to predict the effect of missense changes on protein structure and function (SIFT, PolyPhen-2, Align-GVGD) all suggest that this variant is likely to be tolerated, but these predictions have not been confirmed by published functional studies and their clinical significance is uncertain. In summary, the available evidence is currently insufficient to determine the role of this variant in disease. Therefore, it has been classified as a Variant of Uncertain Significance.